The following is an entry in ClinVar:

ClinVar aggregate classification (germline): Benign/Likely benign. Review status: criteria provided, multiple submitters, no conflicts (2 of 4 stars). 6 submissions from 6 submitters: Benign (2); Likely benign (3). 1 of the submissions does not count toward it. Last evaluated 2026-01-28.

Conditions:
FRAS1-related disorder. Also called: FRAS1-related condition.
Fraser syndrome 1 (FRASRS1). Also called: CRYPTOPHTHALMOS WITH OTHER MALFORMATIONS. Identifiers: Orphanet 2052, MedGen C4551480, MONDO:0054737, OMIM 219000.

Allele frequency attached by ClinVar (database versions not stated): gnomAD exomes 0.00032 and 0.00079; ExAC 0.00095; gnomAD 0.00287 and 0.00302; TOPMed 0.00310; ESP Exome Variant Server 0.00319; 1000 Genomes Project 0.00379; 1000 Genomes Project 30x 0.00453.
gnomAD v4.1: 921 of 1,613,742 alleles (0.057%); highest among the groups gnomAD compares: African/African-American, 0.99%; 2 homozygotes.

Submissions (6):

Labcorp Genetics (formerly Invitae), Labcorp
Classification: Benign. Last evaluated: 2026-01-28. Review status: criteria provided, single submitter. Criteria: Invitae Variant Classification Sherloc (09022015). Collection method: clinical testing. Allele origin: germline.

Blueprint Genetics
Classification: Likely benign. Last evaluated: 2024-09-20. Review status: criteria provided, single submitter. Criteria: ACMG Guidelines, 2015. Collection method: clinical testing. Allele origin: germline.

CeGaT Center for Human Genetics Tuebingen
Classification: Likely benign. Last evaluated: 2023-01-01. Review status: criteria provided, single submitter. Criteria: CeGaT Center For Human Genetics Tuebingen Variant Classification Criteria Version 2. Collection method: clinical testing. Allele origin: germline. Affected: yes. Observed: 1 variant allele.
Comment: FRAS1: BS1

Genetic Services Laboratory, University of Chicago
Classification: Benign. Last evaluated: 2021-12-10. Review status: criteria provided, single submitter. Criteria: ACMG Guidelines, 2015. Collection method: clinical testing. Allele origin: germline. Affected: no.

Illumina Laboratory Services, Illumina
Classification: Likely benign for Fraser syndrome 1. Last evaluated: 2018-01-13. Review status: criteria provided, single submitter. Criteria: ICSL Variant Classification Criteria 13 December 2019. Collection method: clinical testing. Allele origin: germline.
Comment: This variant was observed in the ICSL laboratory as part of a predisposition screen in an ostensibly healthy population. It had not been previously curated by ICSL or reported in the Human Gene Mutation Database (HGMD: prior to June 1st, 2018), and was therefore a candidate for classification through an automated scoring system. Utilizing variant allele frequency, disease prevalence and penetrance estimates, and inheritance mode, an automated score was calculated to assess if this variant is too frequent to cause the disease. Based on the score and internal cut-off values, a variant classified as likely benign is not then subjected to further curation. The score for this variant resulted in a classification of likely benign for this disease.

PreventionGenetics, part of Exact Sciences
Classification: Likely benign for FRAS1-related condition. Last evaluated: 2019-05-30. Review status: no assertion criteria provided. Collection method: clinical testing. Allele origin: germline. Not counted in ClinVar's aggregate classification.
Comment: This variant is classified as likely benign based on ACMG/AMP sequence variant interpretation guidelines (Richards et al. 2015 PMID: 25741868, with internal and published modifications).

NM_025074.7(FRAS1):c.6301C>T (p.His2101Tyr)

Gene: FRAS1 (Fraser extracellular matrix complex subunit 1; plus strand). Cytogenetic location: 4q21.21.
Variant type: single nucleotide variant.
Coding change: c.6301C>T on transcript NM_025074.7 (MANE Select); coding-DNA position 6301, C replaced by T.
Protein change: p.His2101Tyr; replaces histidine 2101 with tyrosine.
Molecular consequence: missense variant.
Genome position (GRCh38, 1-based): chr4:78,450,177, C>T. VCF-style: chr4-78450177-C-T. GRCh37 (hg19) VCF-style: chr4-79371331-C-T.
Other names: short protein forms H2101Y.
Identifiers: ClinVar variation 349735 (VCV000349735.43), dbSNP rs183398121, ClinGen allele CA2977747.